The following is an entry in ClinVar:

NM_001008537.3(NEXMIF):c.4159G>A (p.Gly1387Arg)

Gene: NEXMIF (neurite extension and migration factor; minus strand). Cytogenetic location: Xq13.3.
Variant type: single nucleotide variant.
Coding change: c.4159G>A on transcript NM_001008537.3 (MANE Select); coding-DNA position 4159, G replaced by A.
Protein change: p.Gly1387Arg; replaces glycine 1387 with arginine.
Molecular consequence: missense variant.
Genome position (GRCh38, 1-based): chrX:74,740,398, C>T on the plus strand (G>A on the coding strand, the complement: NEXMIF is on the minus strand). VCF-style: chrX-74740398-C-T. GRCh37 (hg19) VCF-style: chrX-73960233-C-T.
Other names: short protein forms G1387R.
Identifiers: ClinVar variation 1485289 (VCV001485289.9), dbSNP rs2147438927, ClinGen allele CA413663897.
Genomic context (GRCh38, chrX:74,740,398, plus strand): 5'-TTGCTGTTTTCCCATTGCTTTTGCTCACACCCTTGATTGACCTGTGATTCTTAGTGGCTC[C>T]TTGGGACCCACTGTTGATCTTTTTCTTAGACTCCTGTGGTGTCCCAGCCAATATTTTGAG-3'
Protein context (NP_001008537.1, residues 1377-1397): SKKKINSGSQ[Gly1387Arg]ATKNHRSIKG

ClinVar aggregate classification (germline): Uncertain significance. Review status: criteria provided, multiple submitters, no conflicts (2 of 4 stars). 2 submissions from 2 submitters: Uncertain significance (2). Last evaluated 2026-10-25.

Allele frequency attached by ClinVar (database versions not stated): gnomAD exomes 0.00001.
gnomAD v4.1: 14 of 1,211,738 alleles (0.0012%); highest among the groups gnomAD compares: Non-Finnish European, 0.0016%; no homozygotes.

Submissions (2):

GeneDx
Classification: Uncertain significance. Last evaluated: 2026-10-25. Review status: criteria provided, single submitter. Criteria: GeneDx Variant Classification Process June 2021. Collection method: clinical testing. Allele origin: germline.
Comment: Has not been previously published as pathogenic or benign to our knowledge; Not observed at significant frequency in large population cohorts (gnomAD); In silico analysis suggests that this missense variant does not alter protein structure/function

Labcorp Genetics (formerly Invitae), Labcorp
Classification: Uncertain significance. Last evaluated: 2021-10-28. Review status: criteria provided, single submitter. Criteria: Invitae Variant Classification Sherloc (09022015). Collection method: clinical testing. Allele origin: germline.
Comment: In summary, the available evidence is currently insufficient to determine the role of this variant in disease. Therefore, it has been classified as a Variant of Uncertain Significance. Algorithms developed to predict the effect of missense changes on protein structure and function (SIFT, PolyPhen-2, Align-GVGD) all suggest that this variant is likely to be disruptive. This variant has not been reported in the literature in individuals affected with NEXMIF-related conditions. This variant is not present in population databases (gnomAD no frequency). This sequence change replaces glycine, which is neutral and non-polar, with arginine, which is basic and polar, at codon 1387 of the NEXMIF protein (p.Gly1387Arg).